The following is an entry in ClinVar:

ClinVar aggregate classification (germline): Uncertain significance. Review status: criteria provided, multiple submitters, no conflicts (2 of 4 stars). 3 submissions from 3 submitters: Uncertain significance (3). Last evaluated 2024-07-03.

Conditions:
Inborn genetic diseases. Identifiers: MedGen C0950123, MeSH D030342.

Allele frequency attached by ClinVar (database versions not stated): gnomAD 0.00001; ExAC 0.00002; gnomAD exomes 0.00002; ESP Exome Variant Server 0.00008.
gnomAD v4.1: 35 of 1,613,652 alleles (0.0022%); highest among the groups gnomAD compares: Middle Eastern, 0.016%; no homozygotes.

Submissions (3):

Women's Health and Genetics/Laboratory Corporation of America, LabCorp
Classification: Uncertain significance. Last evaluated: 2024-07-03. Review status: criteria provided, single submitter. Criteria: LabCorp Variant Classification Summary - May 2015. Collection method: clinical testing. Allele origin: germline.
Comment: Variant summary: VPS13A c.2051G>C (p.Ser684Thr) results in a conservative amino acid change located in the middle RBG modules region (IPR031642) of the encoded protein sequence. Five of five in-silico tools predict a benign effect of the variant on protein function. The variant allele was found at a frequency of 2e-05 in 251254 control chromosomes. The available data on variant occurrences in the general population are insufficient to allow any conclusion about variant significance. To our knowledge, no occurrence of c.2051G>C in individuals affected with Choreoacanthocytosis and no experimental evidence demonstrating its impact on protein function have been reported. ClinVar contains an entry for this variant (Variation ID: 2295839). Based on the evidence outlined above, the variant was classified as uncertain significance.

CeGaT Center for Human Genetics Tuebingen
Classification: Uncertain significance. Last evaluated: 2023-03-01. Review status: criteria provided, single submitter. Criteria: CeGaT Center For Human Genetics Tuebingen Variant Classification Criteria Version 2. Collection method: clinical testing. Allele origin: germline. Affected: yes. Observed: 1 variant allele.
Comment: VPS13A: PM2, BP1, BP4

Ambry Genetics
Classification: Uncertain significance for Inborn genetic diseases. Last evaluated: 2022-06-24. Review status: criteria provided, single submitter. Criteria: Ambry Variant Classification Scheme 2023. Collection method: clinical testing. Allele origin: germline.

NM_033305.3(VPS13A):c.2051G>C (p.Ser684Thr)

Gene: VPS13A (vacuolar protein sorting 13 homolog A; plus strand). Cytogenetic location: 9q21.2.
Variant type: single nucleotide variant.
Coding change: c.2051G>C on transcript NM_033305.3 (MANE Select); coding-DNA position 2051, G replaced by C.
Protein change: p.Ser684Thr; replaces serine 684 with threonine.
Molecular consequence: missense variant.
Genome position (GRCh38, 1-based): chr9:77,250,110, G>C. VCF-style: chr9-77250110-G-C. GRCh37 (hg19) VCF-style: chr9-79865026-G-C.
Other names: c.2051G>C, p.Ser684Thr (NM_001018037.2, NM_001018038.3, NM_015186.4); short protein forms S684T.
Identifiers: ClinVar variation 2295839 (VCV002295839.31), dbSNP rs377373747, ClinGen allele CA5091846.